The following is an entry in ClinVar:

NM_000834.5(GRIN2B):c.2981T>C (p.Ile994Thr)

Gene: GRIN2B (glutamate ionotropic receptor NMDA type subunit 2B; minus strand). Cytogenetic location: 12p13.1.
Variant type: single nucleotide variant.
Coding change: c.2981T>C on transcript NM_000834.5 (MANE Select); coding-DNA position 2981, T replaced by C.
Protein change: p.Ile994Thr; replaces isoleucine 994 with threonine.
Molecular consequence: missense variant.
Genome position (GRCh38, 1-based): chr12:13,564,257, A>G on the plus strand (T>C on the coding strand, the complement: GRIN2B is on the minus strand). VCF-style: chr12-13564257-A-G. GRCh37 (hg19) VCF-style: chr12-13717191-A-G.
Other names: c.2981T>C, p.Ile994Thr (NM_001413992.1); short protein forms I994T.
Identifiers: ClinVar variation 1978080 (VCV001978080.5), dbSNP rs2497470478, ClinGen allele CA383992547.
Genomic context (GRCh38, chr12:13,564,257, plus strand): 5'-TGGGTGGTGAAGGGTGGGTTGTCACAGTCGTAGAGCCCATCGATGGAGCTGGCACTGCCA[A>G]TACTATGGGGCCGGTGGTGATGGTGGTAGTGATCTTGGTACACGTTGCTGTCCTTCAGCT-3'
Protein context (NP_000825.2, residues 984-1004): HYHHHHRPHS[Ile994Thr]GSASSIDGLY

ClinVar aggregate classification (germline): Uncertain significance (1 of 4 stars; one submission).

Conditions:
Developmental and epileptic encephalopathy, 27 (DEE27). Also called: GRIN2B-Related Neurodevelopmental Disorder; Epileptic encephalopathy, early infantile, 27. Identifiers: Orphanet 3451, MedGen C4015316, MONDO:0014505, OMIM 616139.
Intellectual developmental disorder, autosomal dominant 6, with or without seizures. Also called: GRIN2B-related developmental delay, intellectual disability and autism spectrum disorder; Intellectual disability, autosomal dominant 6. Identifiers: Orphanet 589547, MedGen C3151411, MONDO:0013509, OMIM 613970.

Submission:

Labcorp Genetics (formerly Invitae), Labcorp
Classification: Uncertain significance for Developmental and epileptic encephalopathy, 27; Intellectual developmental disorder, autosomal dominant 6, with or without seizures. Last evaluated: 2025-10-01. Review status: criteria provided, single submitter. Criteria: Invitae Variant Classification Sherloc (09022015). Collection method: clinical testing. Allele origin: germline.
Comment: This sequence change replaces isoleucine, which is neutral and non-polar, with threonine, which is neutral and polar, at codon 994 of the GRIN2B protein (p.Ile994Thr). This variant is not present in population databases (gnomAD no frequency). This variant has not been reported in the literature in individuals affected with GRIN2B-related conditions. ClinVar contains an entry for this variant (Variation ID: 1978080). Invitae Evidence Modeling of protein sequence and biophysical properties (such as structural, functional, and spatial information, amino acid conservation, physicochemical variation, residue mobility, and thermodynamic stability) indicates that this missense variant is not expected to disrupt GRIN2B protein function with a negative predictive value of 95%. In summary, the available evidence is currently insufficient to determine the role of this variant in disease. Therefore, it has been classified as a Variant of Uncertain Significance.